The following is an entry in ClinVar:

NM_001903.5(CTNNA1):c.1681G>C (p.Asp561His)

Gene: CTNNA1 (catenin alpha 1; plus strand). Cytogenetic location: 5q31.2.
Variant type: single nucleotide variant.
Coding change: c.1681G>C on transcript NM_001903.5 (MANE Select); coding-DNA position 1681, G replaced by C.
Protein change: p.Asp561His; replaces aspartic acid 561 with histidine.
Molecular consequence: missense variant.
Genome position (GRCh38, 1-based): chr5:138,924,644, G>C. VCF-style: chr5-138924644-G-C. GRCh37 (hg19) VCF-style: chr5-138260333-G-C.
Other names: c.1681G>C, p.Asp561His (NM_001290307.3, NM_001323982.2, NM_001323983.1 and 2 more transcripts); c.1372G>C, p.Asp458His (NM_001290309.3); c.1312G>C, p.Asp438His (NM_001290310.3); c.571G>C, p.Asp191His (NM_001290312.1, NM_001323987.1, NM_001323988.1 and 17 more transcripts); c.1588G>C, p.Asp530His (NM_001323986.2); c.232G>C, p.Asp78His (NM_001324006.1, NM_001324007.1, NM_001324008.1 and 2 more transcripts); c.478G>C, p.Asp160His (NM_001324011.1); c.328G>C, p.Asp110His (NM_001324012.1, NM_001324013.1); short protein forms D438H, D458H, D78H, D191H, D530H, D110H, D160H, D561H.
Identifiers: ClinVar variation 969081 (VCV000969081.14), dbSNP rs1763622007, ClinGen allele CA361131962.

ClinVar aggregate classification (germline): Uncertain significance. Review status: criteria provided, multiple submitters, no conflicts (2 of 4 stars). 2 submissions from 2 submitters: Uncertain significance (2). Last evaluated 2025-05-16.

Conditions:
Hereditary cancer-predisposing syndrome. Also called: Neoplastic Syndromes, Hereditary; Hereditary Cancer Syndrome; Tumor predisposition; Hereditary neoplastic syndrome. Identifiers: Orphanet 140162, MedGen C0027672, MeSH D009386, MONDO:0015356.

Submissions (2):

Ambry Genetics
Classification: Uncertain significance for Hereditary cancer-predisposing syndrome. Last evaluated: 2025-05-16. Review status: criteria provided, single submitter. Criteria: Ambry Variant Classification Scheme 2023. Collection method: clinical testing. Allele origin: germline.
Comment: The p.D561H variant (also known as c.1681G>C), located in coding exon 11 of the CTNNA1 gene, results from a G to C substitution at nucleotide position 1681. The aspartic acid at codon 561 is replaced by histidine, an amino acid with similar properties. This amino acid position is well conserved in available vertebrate species. In addition, this alteration is predicted to be deleterious by in silico analysis. Since supporting evidence is limited at this time, the clinical significance of this alteration remains unclear.

Labcorp Genetics (formerly Invitae), Labcorp
Classification: Uncertain significance. Last evaluated: 2024-10-27. Review status: criteria provided, single submitter. Criteria: Invitae Variant Classification Sherloc (09022015). Collection method: clinical testing. Allele origin: germline.
Comment: This sequence change replaces aspartic acid, which is acidic and polar, with histidine, which is basic and polar, at codon 561 of the CTNNA1 protein (p.Asp561His). This variant is not present in population databases (gnomAD no frequency). This variant has not been reported in the literature in individuals affected with CTNNA1-related conditions. ClinVar contains an entry for this variant (Variation ID: 969081). Invitae Evidence Modeling of protein sequence and biophysical properties (such as structural, functional, and spatial information, amino acid conservation, physicochemical variation, residue mobility, and thermodynamic stability) indicates that this missense variant is not expected to disrupt CTNNA1 protein function with a negative predictive value of 80%. In summary, the available evidence is currently insufficient to determine the role of this variant in disease. Therefore, it has been classified as a Variant of Uncertain Significance.